The following is an entry in ClinVar:

ClinVar aggregate classification (germline): Uncertain significance. Review status: criteria provided, multiple submitters, no conflicts (2 of 4 stars). 2 submissions from 2 submitters: Uncertain significance (2). Last evaluated 2026-08-06.

Conditions:
Rajab interstitial lung disease with brain calcifications 1 (RILDBC1). Also called: NEURODEVELOPMENTAL DISORDER WITH BRAIN, LIVER, AND LUNG ABNORMALITIES; DEVELOPMENTAL DELAY, SMALL STATURE, MICROCEPHALY, AND BRAIN CALCIFICATIONS. Identifiers: Orphanet 178506, MedGen C5436276, MONDO:0100215, OMIM 613658.

Allele frequency attached by ClinVar (database versions not stated): gnomAD 0.00001; gnomAD exomes 0.00001; ExAC 0.00003.
gnomAD v4.1: 21 of 1,613,598 alleles (0.0013%); highest among the groups gnomAD compares: Middle Eastern, 0.016%; no homozygotes.

Submissions (2):

OLLIN Analises Genomicas, OLLIN
Classification: Uncertain significance for Rajab interstitial lung disease with brain calcifications 1. Last evaluated: 2026-08-06. Review status: criteria provided, single submitter. Criteria: ACMG Guidelines 2015 PMID 25741868. Collection method: clinical testing. Allele origin: germline.
Comment: This missense variant, located in exon 17 (of 17), has been reported in ClinVar (accession VCV001931812.5) and in gnomAD with an allele frequency of 0.0013%. However, to our knowledge, it has not been reported in the scientific literature. In silico analysis predicts that this variant has a tolerated effect. According to the currently available evidence, this variant has been classified as uncertain significance (PM2_P, BP4).

Labcorp Genetics (formerly Invitae), Labcorp
Classification: Uncertain significance. Last evaluated: 2023-11-27. Review status: criteria provided, single submitter. Criteria: Invitae Variant Classification Sherloc (09022015). Collection method: clinical testing. Allele origin: germline.
Comment: This sequence change replaces valine, which is neutral and non-polar, with isoleucine, which is neutral and non-polar, at codon 568 of the FARSB protein (p.Val568Ile). This variant is present in population databases (rs747770664, gnomAD 0.01%). This variant has not been reported in the literature in individuals affected with FARSB-related conditions. ClinVar contains an entry for this variant (Variation ID: 1931812). Advanced modeling of protein sequence and biophysical properties (such as structural, functional, and spatial information, amino acid conservation, physicochemical variation, residue mobility, and thermodynamic stability) performed at Invitae indicates that this missense variant is not expected to disrupt FARSB protein function with a negative predictive value of 80%. In summary, the available evidence is currently insufficient to determine the role of this variant in disease. Therefore, it has been classified as a Variant of Uncertain Significance.

NM_005687.5(FARSB):c.1702G>A (p.Val568Ile)

Gene: FARSB (phenylalanyl-tRNA synthetase subunit beta; minus strand). Cytogenetic location: 2q36.1.
Variant type: single nucleotide variant.
Coding change: c.1702G>A on transcript NM_005687.5 (MANE Select); coding-DNA position 1702, G replaced by A.
Protein change: p.Val568Ile; replaces valine 568 with isoleucine.
Molecular consequence: missense variant. On other transcripts: non-coding transcript variant (1).
Genome position (GRCh38, 1-based): chr2:222,571,939, C>T on the plus strand (G>A on the coding strand, the complement: FARSB is on the minus strand). VCF-style: chr2-222571939-C-T. GRCh37 (hg19) VCF-style: chr2-223436658-C-T.
Other names: short protein forms V568I.
Identifiers: ClinVar variation 1931812 (VCV001931812.6), dbSNP rs747770664, ClinGen allele CA2136274.